The following is an entry in ClinVar:

ClinVar aggregate classification (germline): Uncertain significance (1 of 4 stars; one submission).

gnomAD v4.1: 1 of 1,597,768 alleles (0.000063%); highest among the groups gnomAD compares: African/African-American, 0.0013%; no homozygotes.

Submission:

GeneDx
Classification: Uncertain significance. Last evaluated: 2026-05-30. Review status: criteria provided, single submitter. Criteria: GeneDx Variant Classification Process June 2021. Collection method: clinical testing. Allele origin: germline.
Comment: Not observed at significant frequency in large population cohorts (gnomAD); In silico analysis supports that this missense variant has a deleterious effect on protein structure/function; Has not been previously published as pathogenic or benign to our knowledge

NM_001377142.1(PLCB4):c.3470A>T (p.Glu1157Val)

Gene: PLCB4 (phospholipase C beta 4; plus strand). Cytogenetic location: 20p12.2.
Variant type: single nucleotide variant.
Coding change: c.3470A>T on transcript NM_001377142.1 (MANE Select); coding-DNA position 3470, A replaced by T.
Protein change: p.Glu1157Val; replaces glutamic acid 1157 with valine.
Molecular consequence: missense variant.
Genome position (GRCh38, 1-based): chr20:9,473,340, A>T. VCF-style: chr20-9473340-A-T. GRCh37 (hg19) VCF-style: chr20-9453987-A-T.
Other names: c.3434A>T, p.Glu1145Val (NM_000933.4, NM_001377134.2, NM_001377135.1 and 2 more transcripts); c.3470A>T, p.Glu1157Val (NM_001172646.2, NM_001377143.1); short protein forms E1145V, E1157V.
Identifiers: ClinVar variation 4056981 (VCV004056981.2).